The following is an entry in ClinVar:

ClinVar aggregate classification (germline): Uncertain significance (1 of 4 stars; one submission).

Submission:

Labcorp Genetics (formerly Invitae), Labcorp
Classification: Uncertain significance. Last evaluated: 2022-01-22. Review status: criteria provided, single submitter. Criteria: Invitae Variant Classification Sherloc (09022015). Collection method: clinical testing. Allele origin: germline.
Comment: This sequence change replaces leucine, which is neutral and non-polar, with isoleucine, which is neutral and non-polar, at codon 312 of the NTHL1 protein (p.Leu312Ile). This variant is not present in population databases (gnomAD no frequency). This variant has not been reported in the literature in individuals affected with NTHL1-related conditions. Algorithms developed to predict the effect of missense changes on protein structure and function are either unavailable or do not agree on the potential impact of this missense change (SIFT: "Not Available"; PolyPhen-2: "Benign"; Align-GVGD: "Not Available"). In summary, the available evidence is currently insufficient to determine the role of this variant in disease. Therefore, it has been classified as a Variant of Uncertain Significance.

NM_002528.7(NTHL1):c.910C>A (p.Leu304Ile)

Gene: NTHL1 (nth like DNA glycosylase 1; minus strand). Cytogenetic location: 16p13.3.
Variant type: single nucleotide variant.
Coding change: c.910C>A on transcript NM_002528.7 (MANE Select); coding-DNA position 910, C replaced by A.
Protein change: p.Leu304Ile; replaces leucine 304 with isoleucine.
Molecular consequence: missense variant.
Genome position (GRCh38, 1-based): chr16:2,039,929, G>T on the plus strand (C>A on the coding strand, the complement: NTHL1 is on the minus strand). VCF-style: chr16-2039929-G-T. GRCh37 (hg19) VCF-style: chr16-2089930-G-T.
Other names: c.739C>A, p.Leu247Ile (NM_001318193.2); c.580C>A, p.Leu194Ile (NM_001318194.2); short protein forms L304I, L247I, L194I.
Identifiers: ClinVar variation 2089008 (VCV002089008.4), dbSNP rs950957418, ClinGen allele CA394286945.
Genomic context (GRCh38, chr16:2,039,929, plus strand): 5'-AAGCCACTTCACAGACGGTGGCCACAGCGGCACCTCGGCCAGAGCCATGCGGCCATCAGA[G>T]ACCCTGGGCGGCCGGGCAGAGGGCTTGGTTGAGGCAGGCGTGGCAGCGAGGGTGCACAGG-3'
Protein context (NP_002519.2, residues 294-304): NQALCPAAQG[Leu304Ile]